The following is an entry in ClinVar:

NM_000093.5(COL5A1):c.2431-57C>T

Gene: COL5A1 (collagen type V alpha 1 chain; plus strand). Cytogenetic location: 9q34.3.
Variant type: single nucleotide variant.
Coding change: c.2431-57C>T on transcript NM_000093.5 (MANE Select); 57 bases into the intron before coding-DNA position 2431, C replaced by T.
Molecular consequence: intron variant.
Genome position (GRCh38, 1-based): chr9:134,782,610, C>T. VCF-style: chr9-134782610-C-T. GRCh37 (hg19) VCF-style: chr9-137674456-C-T.
Other names: c.2431-57C>T (NM_001278074.1).
Identifiers: ClinVar variation 679505 (VCV000679505.1), dbSNP rs117990742, ClinGen allele CA5319360.

ClinVar aggregate classification (germline): Likely benign (1 of 4 stars; one submission).

Allele frequency attached by ClinVar (database versions not stated): ESP Exome Variant Server 0.00010; gnomAD 0.00038 and 0.00064; gnomAD exomes 0.00105; ExAC 0.00106; TOPMed 0.00124; 1000 Genomes Project 30x 0.00250; 1000 Genomes Project 0.00280.
gnomAD v4.1: 947 of 1,546,534 alleles (0.061%); highest among the groups gnomAD compares: East Asian, 1.8%; 9 homozygotes.

Submission:

GeneDx
Classification: Likely benign. Last evaluated: 2018-06-19. Review status: criteria provided, single submitter. Criteria: GeneDx Variant Classification (06012015). Collection method: clinical testing. Allele origin: germline. Affected: yes.
Comment: This variant is considered likely benign or benign based on one or more of the following criteria: it is a conservative change, it occurs at a poorly conserved position in the protein, it is predicted to be benign by multiple in silico algorithms, and/or has population frequency not consistent with disease.